The following is an entry in ClinVar:

NM_001752.4(CAT):c.1526T>G (p.Ile509Ser)

Gene: CAT (catalase; plus strand). Cytogenetic location: 11p13.
Variant type: single nucleotide variant.
Coding change: c.1526T>G on transcript NM_001752.4 (MANE Select); coding-DNA position 1526, T replaced by G.
Protein change: p.Ile509Ser; replaces isoleucine 509 with serine.
Molecular consequence: missense variant.
Genome position (GRCh38, 1-based): chr11:34,471,375, T>G. VCF-style: chr11-34471375-T-G. GRCh37 (hg19) VCF-style: chr11-34492922-T-G.
Other names: p.Ile509Ser; short protein forms I509S.
Identifiers: ClinVar variation 3380015 (VCV003380015.1).
Genomic context (GRCh38, chr11:34,471,375, plus strand): 5'-CACGTTGCTGCCCATGAGGTGATTAACCTGCTCATCTTGTTCTTTTAAAACAGAATGCGA[T>G]TCACACCTTTGTGCAGTCCGGATCTCACTTGGCGGCAAGGGAGAAGGCAAATCTGTGAGG-3'
Protein context (NP_001743.1, residues 499-519): KYNAEKPKNA[Ile509Ser]HTFVQSGSHL

ClinVar aggregate classification (germline): Uncertain significance (1 of 4 stars; one submission).

Submission:

Mayo Clinic Laboratories, Mayo Clinic
Classification: Uncertain significance. Last evaluated: 2024-02-13. Review status: criteria provided, single submitter. Criteria: ACMG Guidelines, 2015. Collection method: clinical testing. Allele origin: germline. Observed: 1 variant allele.
Comment: PM2